The following is an entry in ClinVar:

NM_004171.4(SLC1A2):c.8del (p.Ser3fs)

Gene: SLC1A2 (solute carrier family 1 member 2; minus strand). Cytogenetic location: 11p13.
Variant type: Deletion.
Coding change: c.8del on transcript NM_004171.4 (MANE Select); coding-DNA position 8, one base deleted (C; older notation c.8delC).
Protein change: p.Ser3fs; shifts the reading frame from serine 3.
Molecular consequence: frameshift variant. On other transcripts: intron variant (2).
Genome position (GRCh38, 1-based): chr11:35,418,959, G deleted on the plus strand (C on the coding strand, the reverse complement: SLC1A2 is on the minus strand). VCF-style (leftmost placement, unchanged base first): chr11-35418958-AG-A. GRCh37 (hg19) VCF-style: chr11-35440505-AG-A.
Other names: c.-130+977del (NM_001195728.3); c.-167+949del (NM_001252652.2); short protein forms S3fs.
Identifiers: ClinVar variation 1489994 (VCV001489994.6), dbSNP rs2135315717, ClinGen allele CA2573146271.

ClinVar aggregate classification (germline): Uncertain significance (1 of 4 stars; one submission).

Submission:

Labcorp Genetics (formerly Invitae), Labcorp
Classification: Uncertain significance. Last evaluated: 2022-03-22. Review status: criteria provided, single submitter. Criteria: Invitae Variant Classification Sherloc (09022015). Collection method: clinical testing. Allele origin: germline.
Comment: In summary, the available evidence is currently insufficient to determine the role of this variant in disease. Therefore, it has been classified as a Variant of Uncertain Significance. This variant has not been reported in the literature in individuals affected with SLC1A2-related conditions. This variant is not present in population databases (gnomAD no frequency). This sequence change creates a premature translational stop signal (p.Ser3Leufs*47) in the SLC1A2 gene. It is expected to result in an absent or disrupted protein product. However, the current clinical and genetic evidence is not sufficient to establish whether loss-of-function variants in SLC1A2 cause disease.